The following is an entry in ClinVar:

ClinVar aggregate classification (germline): Uncertain significance. Review status: criteria provided, multiple submitters, no conflicts (2 of 4 stars). 2 submissions from 2 submitters: Uncertain significance (2). Last evaluated 2025-04-15.

Conditions:
Hereditary cancer-predisposing syndrome. Also called: Hereditary Cancer Syndrome; Neoplastic Syndromes, Hereditary; Tumor predisposition; Hereditary neoplastic syndrome. Identifiers: Orphanet 140162, MedGen C0027672, MeSH D009386, MONDO:0015356.
Hereditary breast ovarian cancer syndrome. Also called: BRCA1- and BRCA2-Associated Hereditary Breast and Ovarian Cancer; Breast and ovarian cancer; Hereditary breast and/or ovarian cancer syndrome; Hereditary breast and ovarian cancer; Hereditary breast and ovarian cancer syndrome (HBOC); Hereditary breast and ovarian cancer syndrome. Identifiers: Orphanet 145, MedGen C0677776, MeSH D061325, MONDO:0003582. Disease mechanism: loss of function.

Submissions (2):

Ambry Genetics
Classification: Uncertain significance for Hereditary cancer-predisposing syndrome. Last evaluated: 2025-04-15. Review status: criteria provided, single submitter. Criteria: Ambry Variant Classification Scheme 2023. Collection method: clinical testing. Allele origin: germline.
Comment: The p.C1654R variant (also known as c.4960T>C), located in coding exon 10 of the BRCA2 gene, results from a T to C substitution at nucleotide position 4960. The cysteine at codon 1654 is replaced by arginine, an amino acid with highly dissimilar properties. This amino acid position is not well conserved in available vertebrate species. In addition, this alteration is predicted to be tolerated by in silico analysis. Based on the available evidence, the clinical significance of this variant remains unclear.

Labcorp Genetics (formerly Invitae), Labcorp
Classification: Uncertain significance for Hereditary breast ovarian cancer syndrome. Last evaluated: 2023-07-28. Review status: criteria provided, single submitter. Criteria: Invitae Variant Classification Sherloc (09022015). Collection method: clinical testing. Allele origin: germline.
Comment: In summary, the available evidence is currently insufficient to determine the role of this variant in disease. Therefore, it has been classified as a Variant of Uncertain Significance. Advanced modeling of protein sequence and biophysical properties (such as structural, functional, and spatial information, amino acid conservation, physicochemical variation, residue mobility, and thermodynamic stability) performed at Invitae indicates that this missense variant is not expected to disrupt BRCA2 protein function. This variant has not been reported in the literature in individuals affected with BRCA2-related conditions. This variant is not present in population databases (gnomAD no frequency). This sequence change replaces cysteine, which is neutral and slightly polar, with arginine, which is basic and polar, at codon 1654 of the BRCA2 protein (p.Cys1654Arg).

NM_000059.4(BRCA2):c.4960T>C (p.Cys1654Arg)

Gene: BRCA2 (BRCA2 DNA repair associated; plus strand). Cytogenetic location: 13q13.1.
Variant type: single nucleotide variant.
Coding change: c.4960T>C on transcript NM_000059.4 (MANE Select); coding-DNA position 4960, T replaced by C.
Protein change: p.Cys1654Arg; replaces cysteine 1654 with arginine.
Molecular consequence: missense variant. On other transcripts: non-coding transcript variant (1), intron variant (2).
Genome position (GRCh38, 1-based): chr13:32,339,315, T>C. VCF-style: chr13-32339315-T-C. GRCh37 (hg19) VCF-style: chr13-32913452-T-C.
Other names: c.4960T>C, p.Cys1654Arg (NM_001406719.1, NM_001406720.1); c.1910-5243T>C (NM_001406721.1); c.425-5243T>C (NM_001406722.1); short protein forms C1654R.
Identifiers: ClinVar variation 2747645 (VCV002747645.4), dbSNP rs876659012, ClinGen allele CA387783786.